The following is an entry in ClinVar:

ClinVar aggregate classification (germline): Pathogenic (1 of 4 stars; one submission).

Submission:

Labcorp Genetics (formerly Invitae), Labcorp
Classification: Pathogenic. Last evaluated: 2024-07-08. Review status: criteria provided, single submitter. Criteria: Invitae Variant Classification Sherloc (09022015). Collection method: clinical testing. Allele origin: germline.
Comment: This sequence change replaces leucine, which is neutral and non-polar, with tryptophan, which is neutral and slightly polar, at codon 43 of the DCX protein (p.Leu43Trp). This variant is not present in population databases (gnomAD no frequency). This missense change has been observed in individual(s) with X-linked subcortical band heterotopia (Invitae). In at least one individual the variant was observed to be de novo. Advanced modeling of protein sequence and biophysical properties (such as structural, functional, and spatial information, amino acid conservation, physicochemical variation, residue mobility, and thermodynamic stability) performed at Invitae indicates that this missense variant is expected to disrupt DCX protein function with a positive predictive value of 80%. This variant disrupts the p.Leu43 amino acid residue in DCX. Other variant(s) that disrupt this residue have been observed in individuals with DCX-related conditions (PMID: 9817918), which suggests that this may be a clinically significant amino acid residue. For these reasons, this variant has been classified as Pathogenic.

Literature cited by the submitters: PubMed 9817918.

NM_001195553.2(DCX):c.128T>G (p.Leu43Trp)

Gene: DCX (doublecortin; minus strand). Cytogenetic location: Xq23.
Variant type: single nucleotide variant.
Coding change: c.128T>G on transcript NM_001195553.2 (MANE Select); coding-DNA position 128, T replaced by G.
Protein change: p.Leu43Trp; replaces leucine 43 with tryptophan.
Molecular consequence: missense variant.
Genome position (GRCh38, 1-based): chrX:111,410,271, A>C on the plus strand (T>G on the coding strand, the complement: DCX is on the minus strand). VCF-style: chrX-111410271-A-C. GRCh37 (hg19) VCF-style: chrX-110653499-A-C.
Other names: c.371T>G, p.Leu124Trp (NM_000555.3); c.128T>G, p.Leu43Trp (NM_001369370.1, NM_001369371.1, NM_001369372.1 and 6 more transcripts); short protein forms L124W, L43W.
Identifiers: ClinVar variation 3655199 (VCV003655199.2).
Genomic context (GRCh38, chrX:111,410,271, plus strand): 5'-CGGTCCCCATTGCGGTAGAAACGTACCTTCTTGGCTTTCTTCTCATTACTCAGTGCCTGC[A>C]AGGTTCTGGTTCGGTAGAAGCTACAGTGGGCGCTGTGAGTGGGGCTAGGCAACCCATTCA-3'
Protein context (NP_001182482.1, residues 33-53): AHCSFYRTRT[Leu43Trp]QALSNEKKAK